The following is an entry in ClinVar:

ClinVar aggregate classification (germline): Uncertain significance (1 of 4 stars; one submission).

Conditions:
Neurodevelopmental disorder with hypotonia, stereotypic hand movements, and impaired language. Also called: Intellectual disability, autosomal dominant 20. Identifiers: Orphanet 228384, Orphanet 664410, MedGen C3150700, MONDO:0013266, OMIM 613443.

Submission:

Labcorp Genetics (formerly Invitae), Labcorp
Classification: Uncertain significance for Neurodevelopmental disorder with hypotonia, stereotypic hand movements, and impaired language. Last evaluated: 2022-10-13. Review status: criteria provided, single submitter. Criteria: Invitae Variant Classification Sherloc (09022015). Collection method: clinical testing. Allele origin: germline.
Comment: In summary, the available evidence is currently insufficient to determine the role of this variant in disease. Therefore, it has been classified as a Variant of Uncertain Significance. Advanced modeling of protein sequence and biophysical properties (such as structural, functional, and spatial information, amino acid conservation, physicochemical variation, residue mobility, and thermodynamic stability) performed at Invitae indicates that this missense variant is expected to disrupt MEF2C protein function. This variant has not been reported in the literature in individuals affected with MEF2C-related conditions. This variant is not present in population databases (gnomAD no frequency). This sequence change replaces alanine, which is neutral and non-polar, with glutamic acid, which is acidic and polar, at codon 44 of the MEF2C protein (p.Ala44Glu).

NM_002397.5(MEF2C):c.131C>A (p.Ala44Glu)

Gene: MEF2C (myocyte enhancer factor 2C; minus strand). Cytogenetic location: 5q14.3.
Variant type: single nucleotide variant.
Coding change: c.131C>A on transcript NM_002397.5 (MANE Select); coding-DNA position 131, C replaced by A.
Protein change: p.Ala44Glu; replaces alanine 44 with glutamic acid.
Molecular consequence: missense variant.
Genome position (GRCh38, 1-based): chr5:88,804,725, G>T on the plus strand (C>A on the coding strand, the complement: MEF2C is on the minus strand). VCF-style: chr5-88804725-G-T. GRCh37 (hg19) VCF-style: chr5-88100542-G-T.
Other names: c.131C>A, p.Ala44Glu (NM_001131005.2, NM_001193347.1, NM_001193348.1 and 29 more transcripts); short protein forms A44E.
Identifiers: ClinVar variation 2104733 (VCV002104733.4), dbSNP rs1799664202, ClinGen allele CA360425054.